The following is an entry in ClinVar:

NM_006231.4(POLE):c.6248T>G (p.Leu2083Arg)

Gene: POLE (DNA polymerase epsilon, catalytic subunit; minus strand). Cytogenetic location: 12q24.33.
Variant type: single nucleotide variant.
Coding change: c.6248T>G on transcript NM_006231.4 (MANE Select); coding-DNA position 6248, T replaced by G.
Protein change: p.Leu2083Arg; replaces leucine 2083 with arginine.
Molecular consequence: missense variant.
Genome position (GRCh38, 1-based): chr12:132,632,397, A>C on the plus strand (T>G on the coding strand, the complement: POLE is on the minus strand). VCF-style: chr12-132632397-A-C. GRCh37 (hg19) VCF-style: chr12-133208983-A-C.
Other names: short protein forms L2083R.
Identifiers: ClinVar variation 2714219 (VCV002714219.3), dbSNP rs2041951083, ClinGen allele CA387369544.

ClinVar aggregate classification (germline): Uncertain significance (1 of 4 stars; one submission).

Allele frequency attached by ClinVar (database versions not stated): gnomAD exomes below 0.00001.
gnomAD v4.1: 1 of 1,613,810 alleles (0.000062%); highest among the groups gnomAD compares: Non-Finnish European, 0.000085%; no homozygotes.

Submission:

Labcorp Genetics (formerly Invitae), Labcorp
Classification: Uncertain significance. Last evaluated: 2024-01-30. Review status: criteria provided, single submitter. Criteria: Invitae Variant Classification Sherloc (09022015). Collection method: clinical testing. Allele origin: germline.
Comment: This sequence change replaces leucine, which is neutral and non-polar, with arginine, which is basic and polar, at codon 2083 of the POLE protein (p.Leu2083Arg). This variant is not present in population databases (gnomAD no frequency). This variant has not been reported in the literature in individuals affected with POLE-related conditions. Advanced modeling of protein sequence and biophysical properties (such as structural, functional, and spatial information, amino acid conservation, physicochemical variation, residue mobility, and thermodynamic stability) performed at Invitae indicates that this missense variant is not expected to disrupt POLE protein function with a negative predictive value of 80%. In summary, the available evidence is currently insufficient to determine the role of this variant in disease. Therefore, it has been classified as a Variant of Uncertain Significance.